The following is an entry in ClinVar:

ClinVar aggregate classification (germline): Uncertain significance (1 of 4 stars; one submission).

Submission:

GeneDx
Classification: Uncertain significance. Last evaluated: 2026-03-02. Review status: criteria provided, single submitter. Criteria: GeneDx Variant Classification Process June 2021. Collection method: clinical testing. Allele origin: germline.
Comment: Not observed at significant frequency in large population cohorts (gnomAD); Nonsense variant predicted to result in protein truncation or nonsense mediated decay in a gene or region of a gene for which loss of function is not a known mechanism of disease; Has not been previously published as pathogenic or benign to our knowledge

NM_004958.4(MTOR):c.3126G>A (p.Trp1042Ter)

Gene: MTOR (mechanistic target of rapamycin kinase; minus strand). Cytogenetic location: 1p36.22.
Variant type: single nucleotide variant.
Coding change: c.3126G>A on transcript NM_004958.4 (MANE Select); coding-DNA position 3126, G replaced by A.
Protein change: p.Trp1042Ter; replaces tryptophan 1042 with a stop codon.
Molecular consequence: nonsense.
Genome position (GRCh38, 1-based): chr1:11,213,558, C>T on the plus strand (G>A on the coding strand, the complement: MTOR is on the minus strand). VCF-style: chr1-11213558-C-T. GRCh37 (hg19) VCF-style: chr1-11273615-C-T.
Other names: c.3126G>A, p.Trp1042Ter (NM_001386500.1); c.1878G>A, p.Trp626Ter (NM_001386501.1); short protein forms W1042*, W626*.
Identifiers: ClinVar variation 5010053 (VCV005010053.1).
Genomic context (GRCh38, chr1:11,213,558, plus strand): 5'-AGCTACCACAATTTGCTCAATGAGAAGAATGATCGTGCTCTGAATTGAGGTGTTCATGAC[C>T]CAGAATTCCTACAAAGAGAGAAAAGTCAGAGGAGCTGAGTCAGGTCCCTTTCTGATGATA-3'